The following is an entry in ClinVar:

ClinVar aggregate classification (germline): Uncertain significance (1 of 4 stars; one submission).

Allele frequency attached by ClinVar (database versions not stated): gnomAD exomes below 0.00001.

Submission:

GeneDx
Classification: Uncertain significance. Last evaluated: 2014-09-26. Review status: criteria provided, single submitter. Criteria: GeneDx Variant Classification (06012015). Collection method: clinical testing. Allele origin: germline. Affected: yes.
Comment: p.Gln439Glu (CAG>GAG): c.1315 C>G in exon 7 of the POLG gene (NM_002693.2). The Q439E variant has not been published as a mutation, nor has it been reported as a benign polymorphism to our knowledge. It was not observed in approximately 6,500 individuals of European and African American ancestry in the NHLBI Exome Sequencing Project, indicating it is not a common benign variant in these populations. The Q439E variant is a semi-conservative amino acid substitution, which may impact secondary protein structure as these residues differ in some properties. Missense mutations in nearby residues have been reported in association with POLG deficiency and progressive external ophthalmoplegia, supporting the functional importance of this region of the protein. However, this particular substitution occurs at a position that is not conserved across species. Additionally, in silico analysis is inconsistent in its predictions as to whether or not the variant is damaging to the protein structure/function. Therefore, based on the currently available information, it is unclear whether this variant is a pathogenic mutation or a rare benign variant. The variant is found in EPILEPSY panel(s).

NM_002693.3(POLG):c.1315C>G (p.Gln439Glu)

Gene: POLG (DNA polymerase gamma, catalytic subunit; minus strand). Cytogenetic location: 15q26.1.
Variant type: single nucleotide variant.
Coding change: c.1315C>G on transcript NM_002693.3 (MANE Select); coding-DNA position 1315, C replaced by G.
Protein change: p.Gln439Glu; replaces glutamine 439 with glutamic acid.
Molecular consequence: missense variant.
Genome position (GRCh38, 1-based): chr15:89,327,285, G>C on the plus strand (C>G on the coding strand, the complement: POLG is on the minus strand). VCF-style: chr15-89327285-G-C. GRCh37 (hg19) VCF-style: chr15-89870516-G-C.
Other names: p.Q439E:CAG>GAG; c.1315C>G, p.Gln439Glu (NM_001126131.2); short protein forms Q439E.
Identifiers: ClinVar variation 206629 (VCV000206629.2), dbSNP rs796052918, ClinGen allele CA316895.